The following is an entry in ClinVar:

ClinVar aggregate classification (germline): Uncertain significance (1 of 4 stars; one submission).

Conditions:
Hereditary breast ovarian cancer syndrome. Also called: Breast and ovarian cancer; Hereditary breast and ovarian cancer; Hereditary breast and/or ovarian cancer syndrome; BRCA1- and BRCA2-Associated Hereditary Breast and Ovarian Cancer; Hereditary breast and ovarian cancer syndrome; Hereditary breast and ovarian cancer syndrome (HBOC). Identifiers: Orphanet 145, MedGen C0677776, MeSH D061325, MONDO:0003582. Disease mechanism: loss of function.

Submission:

Labcorp Genetics (formerly Invitae), Labcorp
Classification: Uncertain significance for Hereditary breast ovarian cancer syndrome. Last evaluated: 2021-12-21. Review status: criteria provided, single submitter. Criteria: Invitae Variant Classification Sherloc (09022015). Collection method: clinical testing. Allele origin: germline.
Comment: In summary, the available evidence is currently insufficient to determine the role of this variant in disease. Therefore, it has been classified as a Variant of Uncertain Significance. Advanced modeling of protein sequence and biophysical properties (such as structural, functional, and spatial information, amino acid conservation, physicochemical variation, residue mobility, and thermodynamic stability) performed at Invitae indicates that this missense variant is not expected to disrupt BRCA1 protein function. ClinVar contains an entry for this variant (Variation ID: 845213). This variant has not been reported in the literature in individuals affected with BRCA1-related conditions. This variant is not present in population databases (gnomAD no frequency). This sequence change replaces proline, which is neutral and non-polar, with arginine, which is basic and polar, at codon 209 of the BRCA1 protein (p.Pro209Arg).

NM_007294.4(BRCA1):c.626C>G (p.Pro209Arg)

Gene: BRCA1 (BRCA1 DNA repair associated; minus strand). Cytogenetic location: 17q21.31.
Variant type: single nucleotide variant.
Coding change: c.626C>G on transcript NM_007294.4 (MANE Select); coding-DNA position 626, C replaced by G.
Protein change: p.Pro209Arg; replaces proline 209 with arginine.
Molecular consequence: missense variant. On other transcripts: non-coding transcript variant (1).
Genome position (GRCh38, 1-based): chr17:43,095,890, G>C on the plus strand (C>G on the coding strand, the complement: BRCA1 is on the minus strand). VCF-style: chr17-43095890-G-C. GRCh37 (hg19) VCF-style: chr17-41247907-G-C.
Other names: c.413C>G, p.Pro138Arg (NM_001407571.1, NM_001407853.1, NM_001407894.1 and 12 more transcripts); c.626C>G, p.Pro209Arg (NM_001407581.1, NM_001407582.1, NM_001407583.1 and 59 more transcripts); c.623C>G, p.Pro208Arg (NM_001407587.1, NM_001407590.1, NM_001407591.1 and 41 more transcripts); c.617C>G, p.Pro206Arg (NM_001407646.1, NM_001407647.1, NM_001408408.1); c.548C>G, p.Pro183Arg (NM_001407653.1, NM_001407654.1, NM_001407655.1 and 9 more transcripts); c.545C>G, p.Pro182Arg (NM_001407659.1, NM_001407660.1, NM_001407661.1 and 3 more transcripts); c.485C>G, p.Pro162Arg (NM_001407692.1, NM_001407694.1, NM_001407695.1 and 43 more transcripts); c.482C>G, p.Pro161Arg (NM_001407740.1, NM_001407741.1, NM_001407742.1 and 26 more transcripts); and 4 more; short protein forms P209R, P162R, P81R, P82R, P164R, P183R, P206R, P182R.
Identifiers: ClinVar variation 845213 (VCV000845213.11), dbSNP rs201596327, ClinGen allele CA10600851.